The following is an entry in ClinVar:

ClinVar aggregate classification (germline): Uncertain significance (1 of 4 stars; one submission).

Submission:

Labcorp Genetics (formerly Invitae), Labcorp
Classification: Uncertain significance. Last evaluated: 2022-05-30. Review status: criteria provided, single submitter. Criteria: Invitae Variant Classification Sherloc (09022015). Collection method: clinical testing. Allele origin: germline.
Comment: In summary, the available evidence is currently insufficient to determine the role of this variant in disease. Therefore, it has been classified as a Variant of Uncertain Significance. Algorithms developed to predict the effect of missense changes on protein structure and function are either unavailable or do not agree on the potential impact of this missense change (SIFT: "Tolerated"; PolyPhen-2: "Probably Damaging"; Align-GVGD: "Class C15"). This variant has not been reported in the literature in individuals affected with MOCS2B-related conditions. This variant is not present in population databases (gnomAD no frequency). This sequence change replaces asparagine, which is neutral and polar, with serine, which is neutral and polar, at codon 80 of the MOCS2B protein (p.Asn80Ser).

NM_004531.5(MOCS2):c.239A>G (p.Asn80Ser)

Gene: MOCS2 (molybdenum cofactor synthesis 2; minus strand). Cytogenetic location: 5q11.2.
Variant type: single nucleotide variant.
Coding change: c.239A>G on transcript NM_004531.5 (MANE Select); coding-DNA position 239, A replaced by G.
Protein change: p.Asn80Ser; replaces asparagine 80 with serine.
Molecular consequence: missense variant. On other transcripts: 3 prime UTR variant (1).
Genome position (GRCh38, 1-based): chr5:53,101,497, T>C on the plus strand (A>G on the coding strand, the complement: MOCS2 is on the minus strand). VCF-style: chr5-53101497-T-C. GRCh37 (hg19) VCF-style: chr5-52397327-T-C.
Other names: c.*159A>G (NM_176806.4); c.239A>G, p.Asn80Ser (NM_183418.1); short protein forms N80S.
Identifiers: ClinVar variation 2115582 (VCV002115582.4), dbSNP rs2478599267, ClinGen allele CA359693289.